The following is an entry in ClinVar:

NM_000257.4(MYH7):c.2562G>T (p.Glu854Asp)

Genes: MYH7 (myosin heavy chain 7; minus strand), LOC126861898 (BRD4-independent group 4 enhancer GRCh37_chr14:23893609-23894808; plus strand). Cytogenetic location: 14q11.2.
Variant type: single nucleotide variant.
Coding change: c.2562G>T on transcript NM_000257.4 (MANE Select); coding-DNA position 2562, G replaced by T.
Protein change: p.Glu854Asp; replaces glutamic acid 854 with aspartic acid.
Molecular consequence: missense variant.
Genome position (GRCh38, 1-based): chr14:23,424,886, C>A on the plus strand (G>T on the coding strand, the complement: MYH7 is on the minus strand). VCF-style: chr14-23424886-C-A. GRCh37 (hg19) VCF-style: chr14-23894095-C-A.
Other names: short protein forms E854D.
Identifiers: ClinVar variation 1174821 (VCV001174821.11), dbSNP rs778148245, ClinGen allele CA389048149.

ClinVar aggregate classification (germline): Uncertain significance. Review status: criteria provided, multiple submitters, no conflicts (2 of 4 stars). 5 submissions from 5 submitters: Uncertain significance (2). 3 of the submissions do not count toward it. Last evaluated 2025-11-17.

Conditions:
Cardiomyopathy (CMYO). Also called: Cardiomyopathies. Identifiers: Orphanet 167848, MedGen C0878544, MONDO:0004994, HP:0001638. Inheritance: Various modes of inheritance.
Hypertrophic cardiomyopathy. Also called: HYPERTROPHIC MYOCARDIOPATHY. Identifiers: Orphanet 217569, MedGen C0007194, MeSH D002312, MONDO:0005045, HP:0001639.

gnomAD v4.1: 2 of 1,614,230 alleles (0.00012%); highest among the groups gnomAD compares: Non-Finnish European, 0.00017%; no homozygotes.

Submissions (5):

Labcorp Genetics (formerly Invitae), Labcorp
Classification: Uncertain significance for Hypertrophic cardiomyopathy. Last evaluated: 2025-11-17. Review status: criteria provided, single submitter. Criteria: Invitae Variant Classification Sherloc (09022015). Collection method: clinical testing. Allele origin: germline.
Comment: This sequence change replaces glutamic acid, which is acidic and polar, with aspartic acid, which is acidic and polar, at codon 854 of the MYH7 protein (p.Glu854Asp). This variant is not present in population databases (gnomAD no frequency). This missense change has been observed in individual(s) with hypertrophic cardiomyopathy (PMID: 30847666, 33495596). ClinVar contains an entry for this variant (Variation ID: 1174821). Invitae Evidence Modeling of protein sequence and biophysical properties (such as structural, functional, and spatial information, amino acid conservation, physicochemical variation, residue mobility, and thermodynamic stability) indicates that this missense variant is expected to disrupt MYH7 protein function with a positive predictive value of 95%. In summary, the available evidence is currently insufficient to determine the role of this variant in disease. Therefore, it has been classified as a Variant of Uncertain Significance.

Color Diagnostics, LLC DBA Color Health
Classification: Uncertain significance for Cardiomyopathy. Last evaluated: 2025-07-11. Review status: criteria provided, single submitter. Criteria: ACMG Guidelines, 2015. Collection method: clinical testing. Allele origin: germline.
Comment: This missense variant replaces glutamic acid with aspartic acid at codon 854 of the MYH7 protein. Computational prediction is inconclusive regarding the impact of this variant on protein structure and function. To our knowledge, functional studies have not been reported for this variant. This variant has been reported in individuals affected with hypertrophic cardiomyopathy (PMID: 30847666, 33495596, 33495597). This variant has not been identified in the general population by the Genome Aggregation Database (gnomAD). The available evidence is insufficient to determine the role of this variant in disease conclusively. Therefore, this variant is classified as a Variant of Uncertain Significance.

Clinical Genetics DNA and cytogenetics Diagnostics Lab, Erasmus MC, Erasmus Medical Center
Classification: Uncertain significance. Review status: no assertion criteria provided. Collection method: clinical testing. Allele origin: germline. Affected: yes. Study: VKGL Data-share Consensus. Not counted in ClinVar's aggregate classification.

Clinical Genetics, Academic Medical Center
Classification: Uncertain significance. Review status: no assertion criteria provided. Collection method: clinical testing. Allele origin: germline. Affected: yes. Study: VKGL Data-share Consensus. Not counted in ClinVar's aggregate classification.

Diagnostic Laboratory, Department of Genetics, University Medical Center Groningen
Classification: Uncertain significance. Review status: no assertion criteria provided. Collection method: clinical testing. Allele origin: germline. Affected: yes. Study: VKGL Data-share Consensus. Not counted in ClinVar's aggregate classification.

Literature cited by the submitters: PubMed 30847666 (cited by Labcorp Genetics (formerly Invitae), Labcorp and Color Diagnostics, LLC DBA Color Health); PubMed 33495596 (cited by Labcorp Genetics (formerly Invitae), Labcorp and Color Diagnostics, LLC DBA Color Health); PubMed 33495597 (cited by Color Diagnostics, LLC DBA Color Health).